The following is an entry in ClinVar:

NR_199791.1(RNU2-2):n.184C>T

Genes: RNU2-2 (RNA, U2 small nuclear 2; minus strand), WDR74 (WD repeat domain 74; minus strand). Cytogenetic location: 11q12.3.
Variant type: single nucleotide variant.
Molecular consequence: non-coding transcript variant (on NR_199791.1). On other transcripts: 5 prime UTR variant (1).
Genome position: GRCh38 VCF-style: chr11-62841626-G-A. GRCh37 (hg19) VCF-style: chr11-62609098-G-A.
Other names: c.-355C>T (NM_001369451.1).
Identifiers: ClinVar variation 4874284 (VCV004874284.2).

ClinVar aggregate classification (germline): Likely benign (1 of 4 stars; one submission).

Submission:

CeGaT Center for Human Genetics Tuebingen
Classification: Likely benign. Last evaluated: 2026-06-01. Review status: criteria provided, single submitter. Criteria: CeGaT Center For Human Genetics Tuebingen Variant Classification Criteria Version 2. Collection method: clinical testing. Allele origin: germline. Affected: yes. Observed: 1 variant allele.
Comment: RNU2-2: BS2